The following is an entry in ClinVar:

ClinVar aggregate classification (germline): Uncertain significance (1 of 4 stars; one submission).

Submission:

GeneDx
Classification: Uncertain significance. Last evaluated: 2022-03-24. Review status: criteria provided, single submitter. Criteria: GeneDx Variant Classification Process June 2021. Collection method: clinical testing. Allele origin: germline. Affected: yes.
Comment: In silico analysis supports that this missense variant does not alter protein structure/function; Has not been previously published as pathogenic or benign to our knowledge

NM_001374828.1(ARID1B):c.1556G>C (p.Ser519Thr)

Gene: ARID1B (AT-rich interaction domain 1B; plus strand). Cytogenetic location: 6q25.3.
Variant type: single nucleotide variant.
Coding change: c.1556G>C on transcript NM_001374828.1 (MANE Select); coding-DNA position 1556, G replaced by C.
Protein change: p.Ser519Thr; replaces serine 519 with threonine.
Molecular consequence: missense variant.
Genome position (GRCh38, 1-based): chr6:156,779,236, G>C. VCF-style: chr6-156779236-G-C. GRCh37 (hg19) VCF-style: chr6-157100370-G-C.
Other names: c.1307G>C, p.Ser436Thr (NM_001346813.1, NM_020732.3); c.1556G>C, p.Ser519Thr (NM_001371656.1, NM_001374820.1, NM_017519.3); c.1133G>C, p.Ser378Thr (NM_175863.2); short protein forms S378T, S436T, S519T.
Identifiers: ClinVar variation 1707158 (VCV001707158.2), dbSNP rs770362902, ClinGen allele CA4066755.
Genomic context (GRCh38, chr6:156,779,236, plus strand): 5'-CCCCGACCCTCAATCAGCTGCTCACCTCGCCCAGCCCCATGATGCGGAGCTACGGCGGCA[G>C]CTACCCCGAGTACAGCAGCCCCAGCGCGCCGCCGCCGCCGCCGTCGCAGCCCCAGTCCCA-3'
Protein context (NP_001361757.1, residues 509-529): PSPMMRSYGG[Ser519Thr]YPEYSSPSAP